The following is an entry in ClinVar:

ClinVar aggregate classification (germline): Likely benign. Review status: criteria provided, single submitter (1 of 4 stars). 2 submissions from 2 submitters: Likely benign (1). 1 of the submissions does not count toward it. Last evaluated 2024-07-15.

Conditions:
JAG1-related disorder. Also called: JAG1-related disorders; JAG1-related condition.
Alagille syndrome due to a JAG1 point mutation. Also called: HEPATIC DUCTULAR HYPOPLASIA, SYNDROMATIC; JAG1-Related Alagille Syndrome; Alagille Syndrome 1. Identifiers: Orphanet 261619, Orphanet 52, MedGen C1956125, MONDO:0016862, OMIM 118450.

Submissions (2):

Labcorp Genetics (formerly Invitae), Labcorp
Classification: Likely benign for Alagille syndrome due to a JAG1 point mutation. Last evaluated: 2024-07-15. Review status: criteria provided, single submitter. Criteria: Invitae Variant Classification Sherloc (09022015). Collection method: clinical testing. Allele origin: germline.

PreventionGenetics, part of Exact Sciences
Classification: Likely benign for JAG1-related condition. Last evaluated: 2023-08-29. Review status: no assertion criteria provided. Collection method: clinical testing. Allele origin: germline. Not counted in ClinVar's aggregate classification.
Comment: This variant is classified as likely benign based on ACMG/AMP sequence variant interpretation guidelines (Richards et al. 2015 PMID: 25741868, with internal and published modifications).

NM_000214.3(JAG1):c.1396-9_1396-7del

Gene: JAG1 (jagged canonical Notch ligand 1; minus strand). Cytogenetic location: 20p12.2.
Variant type: Microsatellite.
Coding change: c.1396-9_1396-7del on transcript NM_000214.3 (MANE Select); 9 bases into the intron before coding-DNA position 1396 through 7 bases into the intron before coding-DNA position 1396, 3 bases deleted (CTC; older notation c.1396-9_1396-7delCTC).
Molecular consequence: intron variant.
Genome position (GRCh38, 1-based): chr20:10,648,729-10,648,731, GAG deleted on the plus strand (CTC on the coding strand, the reverse complement: JAG1 is on the minus strand); deleting any 3 consecutive bases within chr20:10,648,729-10,648,734 gives the same sequence; the c. name uses the placement nearest the transcript's 3' end. VCF-style (leftmost placement, unchanged base first): chr20-10648728-AGAG-A. GRCh37 (hg19) VCF-style: chr20-10629376-AGAG-A.
Other names: c.1396-9_1396-7delCTC (NM_000214.2).
Identifiers: ClinVar variation 1639135 (VCV001639135.10), dbSNP rs759287559, ClinGen allele CA9764850.